The following is an entry in ClinVar:

ClinVar aggregate classification (germline): Likely benign. Review status: criteria provided, single submitter (1 of 4 stars). 2 submissions from 2 submitters: Likely benign (1). 1 of the submissions does not count toward it. Last evaluated 2022-01-12.

Conditions:
FN1-related disorder. Also called: FN1-related condition.

Allele frequency attached by ClinVar (database versions not stated): gnomAD 0.00001; gnomAD exomes 0.00001; TOPMed 0.00001; ExAC 0.00002.
gnomAD v4.1: 14 of 1,613,576 alleles (0.00087%); highest among the groups gnomAD compares: Admixed American, 0.0033%; no homozygotes.

Submissions (2):

Labcorp Genetics (formerly Invitae), Labcorp
Classification: Likely benign. Last evaluated: 2022-01-12. Review status: criteria provided, single submitter. Criteria: Invitae Variant Classification Sherloc (09022015). Collection method: clinical testing. Allele origin: germline.

PreventionGenetics, part of Exact Sciences
Classification: Likely benign for FN1-related condition. Last evaluated: 2019-07-28. Review status: no assertion criteria provided. Collection method: clinical testing. Allele origin: germline. Not counted in ClinVar's aggregate classification.
Comment: This variant is classified as likely benign based on ACMG/AMP sequence variant interpretation guidelines (Richards et al. 2015 PMID: 25741868, with internal and published modifications).

NM_212482.4(FN1):c.3804C>T (p.Pro1268=)

Gene: FN1 (fibronectin 1; minus strand). Cytogenetic location: 2q35.
Variant type: single nucleotide variant.
Coding change: c.3804C>T on transcript NM_212482.4 (MANE Select); coding-DNA position 3804, C replaced by T.
Protein change: p.Pro1268=; no amino-acid change (proline 1268 retained).
Molecular consequence: synonymous variant. On other transcripts: intron variant (10).
Genome position (GRCh38, 1-based): chr2:215,393,196, G>A on the plus strand (C>T on the coding strand, the complement: FN1 is on the minus strand). VCF-style: chr2-215393196-G-A. GRCh37 (hg19) VCF-style: chr2-216257919-G-A.
Other names: c.3804C>T, p.Pro1268= (NM_001306129.2, NM_001306130.2, NM_001365517.2 and 3 more transcripts); c.3796+1332C>T (NM_212474.3, NM_001306132.2, NM_001365523.2 and 7 more transcripts); c.3804C>T (NM_212482.2).
Identifiers: ClinVar variation 1586373 (VCV001586373.10), dbSNP rs748680863, ClinGen allele CA2094608.